The following is an entry in ClinVar:

NM_000368.5(TSC1):c.1414A>G (p.Ser472Gly)

Gene: TSC1 (TSC complex subunit 1; minus strand). Cytogenetic location: 9q34.13.
Variant type: single nucleotide variant.
Coding change: c.1414A>G on transcript NM_000368.5 (MANE Select); coding-DNA position 1414, A replaced by G.
Protein change: p.Ser472Gly; replaces serine 472 with glycine.
Molecular consequence: missense variant.
Genome position (GRCh38, 1-based): chr9:132,906,755, T>C on the plus strand (A>G on the coding strand, the complement: TSC1 is on the minus strand). VCF-style: chr9-132906755-T-C. GRCh37 (hg19) VCF-style: chr9-135782142-T-C.
Other names: c.1411A>G, p.Ser471Gly (NM_001162426.2, NM_001406597.1, NM_001406598.1 and 6 more transcripts); c.1261A>G, p.Ser421Gly (NM_001162427.2, NM_001406610.1); c.1051A>G, p.Ser351Gly (NM_001362177.2, NM_001406616.1, NM_001406617.1 and 5 more transcripts); c.1414A>G, p.Ser472Gly (NM_001406592.1, NM_001406593.1, NM_001406594.1 and 7 more transcripts); c.1048A>G, p.Ser350Gly (NM_001406620.1, NM_001406621.1, NM_001406622.1 and 2 more transcripts); c.463A>G, p.Ser155Gly (NM_001406626.1); c.460A>G, p.Ser154Gly (NM_001406627.1, NM_001406628.1); c.361A>G, p.Ser121Gly (NM_001406629.1, NM_001406630.1); and 1 more; short protein forms S350G, S420G, S472G, S121G, S421G, S471G, S154G, S155G.
Identifiers: ClinVar variation 2131926 (VCV002131926.4), dbSNP rs2538767114, ClinGen allele CA375365842.

ClinVar aggregate classification (germline): Uncertain significance (1 of 4 stars; one submission).

Conditions:
Tuberous sclerosis 1 (TSC1). Identifiers: Orphanet 805, MedGen C1854465, MONDO:0008612, OMIM 191100.

gnomAD v4.1: 1 of 1,614,082 alleles (0.000062%); highest among the groups gnomAD compares: Non-Finnish European, 0.000085%; no homozygotes.

Submission:

Labcorp Genetics (formerly Invitae), Labcorp
Classification: Uncertain significance for Tuberous sclerosis 1. Last evaluated: 2022-04-29. Review status: criteria provided, single submitter. Criteria: Invitae Variant Classification Sherloc (09022015). Collection method: clinical testing. Allele origin: germline.
Comment: This variant is not present in population databases (gnomAD no frequency). In summary, the available evidence is currently insufficient to determine the role of this variant in disease. Therefore, it has been classified as a Variant of Uncertain Significance. Algorithms developed to predict the effect of missense changes on protein structure and function are either unavailable or do not agree on the potential impact of this missense change (SIFT: "Tolerated"; PolyPhen-2: "Probably Damaging"; Align-GVGD: "Class C0"). This variant has not been reported in the literature in individuals affected with TSC1-related conditions. This sequence change replaces serine, which is neutral and polar, with glycine, which is neutral and non-polar, at codon 472 of the TSC1 protein (p.Ser472Gly).